The following is an entry in ClinVar:

NM_032242.4(PLXNA1):c.2787C>T (p.Ser929=)

Gene: PLXNA1 (plexin A1; plus strand). Cytogenetic location: 3q21.3.
Variant type: single nucleotide variant.
Coding change: c.2787C>T on transcript NM_032242.4 (MANE Select); coding-DNA position 2787, C replaced by T.
Protein change: p.Ser929=; no amino-acid change (serine 929 retained).
Molecular consequence: synonymous variant.
Genome position (GRCh38, 1-based): chr3:127,014,741, C>T. VCF-style: chr3-127014741-C-T. GRCh37 (hg19) VCF-style: chr3-126733584-C-T.
Identifiers: ClinVar variation 3046864 (VCV003046864.3), dbSNP rs778324443, ClinGen allele CA2593780.

ClinVar aggregate classification (germline): Likely benign. Review status: criteria provided, single submitter (1 of 4 stars). 2 submissions from 2 submitters: Likely benign (1). 1 of the submissions does not count toward it. Last evaluated 2022-12-01.

Conditions:
PLXNA1-related disorder. Also called: PLXNA1-related condition.

Allele frequency attached by ClinVar (database versions not stated): ExAC 0.00001; gnomAD exomes 0.00001; TOPMed 0.00003; gnomAD 0.00005.
gnomAD v4.1: 16 of 1,611,984 alleles (0.00099%); highest among the groups gnomAD compares: African/African-American, 0.008%; no homozygotes.

Submissions (2):

Blueprint Genetics
Classification: Likely benign. Last evaluated: 2022-12-01. Review status: criteria provided, single submitter. Criteria: ACMG Guidelines, 2015. Collection method: clinical testing. Allele origin: germline.

PreventionGenetics, part of Exact Sciences
Classification: Likely benign for PLXNA1-related condition. Last evaluated: 2023-04-06. Review status: no assertion criteria provided. Collection method: clinical testing. Allele origin: germline. Not counted in ClinVar's aggregate classification.
Comment: This variant is classified as likely benign based on ACMG/AMP sequence variant interpretation guidelines (Richards et al. 2015 PMID: 25741868, with internal and published modifications).